The following is an entry in ClinVar:

NM_000836.4(GRIN2D):c.3863C>G (p.Thr1288Ser)

Gene: GRIN2D (glutamate ionotropic receptor NMDA type subunit 2D; plus strand). Cytogenetic location: 19q13.33.
Variant type: single nucleotide variant.
Coding change: c.3863C>G on transcript NM_000836.4 (MANE Select); coding-DNA position 3863, C replaced by G.
Protein change: p.Thr1288Ser; replaces threonine 1288 with serine.
Molecular consequence: missense variant.
Genome position (GRCh38, 1-based): chr19:48,443,789, C>G. VCF-style: chr19-48443789-C-G. GRCh37 (hg19) VCF-style: chr19-48947046-C-G.
Other names: short protein forms T1288S.
Identifiers: ClinVar variation 2631102 (VCV002631102.1), dbSNP rs2513694261, ClinGen allele CA406678674.

ClinVar aggregate classification (germline): Uncertain significance (1 of 4 stars; one submission).

Conditions:
GRIN2D-related disorder. Also called: GRIN2D-related condition.

Submission:

PreventionGenetics, part of Exact Sciences
Classification: Uncertain significance for GRIN2D-related condition. Last evaluated: 2023-09-26. Review status: criteria provided, single submitter. Criteria: ACMG Guidelines, 2015. Collection method: clinical testing. Allele origin: germline.
Comment: The GRIN2D c.3863C>G variant is predicted to result in the amino acid substitution p.Thr1288Ser. To our knowledge, this variant has not been reported in the literature or in a large population database, indicating this variant is rare. At this time, the clinical significance of this variant is uncertain due to the absence of conclusive functional and genetic evidence.